The following is an entry in ClinVar:

NM_000143.4(FH):c.125C>T (p.Ala42Val)

Gene: FH (fumarate hydratase; minus strand). Cytogenetic location: 1q43.
Variant type: single nucleotide variant.
Coding change: c.125C>T on transcript NM_000143.4 (MANE Select); coding-DNA position 125, C replaced by T.
Protein change: p.Ala42Val; replaces alanine 42 with valine.
Molecular consequence: missense variant.
Genome position (GRCh38, 1-based): chr1:241,519,598, G>A on the plus strand (C>T on the coding strand, the complement: FH is on the minus strand). VCF-style: chr1-241519598-G-A. GRCh37 (hg19) VCF-style: chr1-241682898-G-A.
Other names: short protein forms A42V.
Identifiers: ClinVar variation 1024326 (VCV001024326.45), dbSNP rs1194980336, ClinGen allele CA345442627.

ClinVar aggregate classification (germline): Uncertain significance (1 of 4 stars; one submission).

Submission:

Labcorp Genetics (formerly Invitae), Labcorp
Classification: Uncertain significance. Last evaluated: 2020-01-17. Review status: criteria provided, single submitter. Criteria: Invitae Variant Classification Sherloc (09022015). Collection method: clinical testing. Allele origin: germline.
Comment: In summary, the available evidence is currently insufficient to determine the role of this variant in disease. Therefore, it has been classified as a Variant of Uncertain Significance. Algorithms developed to predict the effect of sequence changes on RNA splicing suggest that this variant may create or strengthen a splice site, but this prediction has not been confirmed by published transcriptional studies. Algorithms developed to predict the effect of missense changes on protein structure and function output the following: SIFT: "Tolerated"; PolyPhen-2: "Benign"; Align-GVGD: "Class C0". The valine amino acid residue is found in multiple mammalian species, suggesting that this missense change does not adversely affect protein function. These predictions have not been confirmed by published functional studies and their clinical significance is uncertain. This variant has not been reported in the literature in individuals with FH-related conditions. The frequency data for this variant in the population databases is considered unreliable, as metrics indicate insufficient coverage at this position in the ExAC database. This sequence change replaces alanine with valine at codon 42 of the FH protein (p.Ala42Val). The alanine residue is weakly conserved and there is a small physicochemical difference between alanine and valine.